The following is an entry in ClinVar:

NM_001170629.2(CHD8):c.5422C>T (p.Arg1808Ter)

Gene: CHD8 (chromodomain helicase DNA binding protein 8; minus strand). Cytogenetic location: 14q11.2.
Variant type: single nucleotide variant.
Coding change: c.5422C>T on transcript NM_001170629.2 (MANE Select); coding-DNA position 5422, C replaced by T.
Protein change: p.Arg1808Ter; replaces arginine 1808 with a stop codon.
Molecular consequence: nonsense.
Genome position (GRCh38, 1-based): chr14:21,394,454, G>A on the plus strand (C>T on the coding strand, the complement: CHD8 is on the minus strand). VCF-style: chr14-21394454-G-A. GRCh37 (hg19) VCF-style: chr14-21862613-G-A.
Other names: c.4585C>T, p.Arg1529Ter (NM_020920.4); short protein forms R1529*, R1808*.
Identifiers: ClinVar variation 3254731 (VCV003254731.3), dbSNP rs1555313519.

ClinVar aggregate classification (germline): Pathogenic. Review status: criteria provided, multiple submitters, no conflicts (2 of 4 stars). 3 submissions from 3 submitters: Pathogenic (3). Last evaluated 2025-03-01.

Conditions:
Intellectual disability. Also called: Intellectual functioning disability; intellectual disabilities; Intellectual developmental disorder. Identifiers: MedGen C3714756, MeSH D008607, MONDO:0001071, HP:0001249.
Intellectual developmental disorder with autism and macrocephaly. Also called: CHD8-Related Neurodevelopmental Disorder with Overgrowth; Autism, susceptibility to, 18. Identifiers: Orphanet 642675, MedGen C3554373, MONDO:0014017, OMIM 615032.

Submissions (3):

Division of Genetic & Genomic Pathology, Hong Kong Children's Hospital
Classification: Pathogenic for Intellectual developmental disorder with autism and macrocephaly. Last evaluated: 2025-03-01. Review status: criteria provided, single submitter. Criteria: ACMG Guidelines, 2015. Collection method: clinical testing. Allele origin: germline. Affected: yes.
Comment: The CHD8 c.5422C>T is a nonsense variant located in exon 31 of the CHD8 gene (total of 38 exons). This nonsense variant is predicted to create a premature stop codon and cause loss of normal protein function either by protein truncation or nonsense-mediated mRNA decay. Loss of CDH8 function is a known mechanism of disease. The variant is absent in population control databases (gnomAD v4.1.0). It has been deposited in ClinVar by one submitter (ClinVar Accession: VCV003254731.1; Pathogenic) at the time of reporting. This variant was observed to be de novo in at least 1 patient (PMID: 38041506). For these reasons, CHD8 c.5422C>T is classified as pathogenic.

Victorian Clinical Genetics Services, Murdoch Childrens Research Institute
Classification: Pathogenic for Intellectual developmental disorder with autism and macrocephaly. Last evaluated: 2023-07-16. Review status: criteria provided, single submitter. Criteria: ACMG Guidelines, 2015. Collection method: clinical testing. Allele origin: germline. Inheritance: Autosomal dominant inheritance. Affected: yes.
Comment: Based on the classification scheme VCGS_Germline_v1.3.4, this variant is classified as Pathogenic. Following criteria are met: 0102 - Loss of function is a known mechanism of disease in this gene and is associated with intellectual developmental disorder with autism and macrocephaly (MIM#615032). (I) 0107 - This gene is associated with autosomal dominant disease. (I) 0201 - Variant is predicted to cause nonsense-mediated decay (NMD) and loss of protein (premature termination codon is located at least 54 nucleotides upstream of the final exon-exon junction). (SP) 0251 - This variant is heterozygous. (I) 0301 - Variant is absent from gnomAD (both v2 and v3). (SP) 0701 - Other NMD-predicted variants comparable to the one identified in this case have very strong previous evidence for pathogenicity (DECIPHER, ClinVar). (SP) 0807 - This variant has no previous evidence of pathogenicity. (I) 0905 - No published segregation evidence has been identified for this variant. (I) 1007 - No published functional evidence has been identified for this variant. (SP) Legend: (SP) - Supporting pathogenic, (I) - Information, (SB) - Supporting benign

Cambridge Genomics Laboratory, East Genomic Laboratory Hub, NHS Genomic Medicine Service
Classification: Pathogenic for Intellectual disability. Last evaluated: 2020-03-18. Review status: criteria provided, single submitter. Criteria: ACGS Best Practice Guidelines for Variant Classification in Rare Disease 2020. Collection method: clinical testing. Allele origin: germline. Affected: yes. Observed: 1 variant allele.

Literature cited by the submitters: PubMed 38041506 (cited by Division of Genetic & Genomic Pathology, Hong Kong Children's Hospital).